The following is an entry in ClinVar:

ClinVar aggregate classification (germline): Uncertain significance (1 of 4 stars; one submission).

Conditions:
Breast-ovarian cancer, familial, susceptibility to, 4. Identifiers: Orphanet 145, MedGen C3280345, MONDO:0013669, OMIM 614291.

Submission:

Labcorp Genetics (formerly Invitae), Labcorp
Classification: Uncertain significance for Breast-ovarian cancer, familial, susceptibility to, 4. Last evaluated: 2022-04-08. Review status: criteria provided, single submitter. Criteria: Invitae Variant Classification Sherloc (09022015). Collection method: clinical testing. Allele origin: germline.
Comment: This sequence change replaces leucine, which is neutral and non-polar, with proline, which is neutral and non-polar, at codon 260 of the RAD51D protein (p.Leu260Pro). In summary, the available evidence is currently insufficient to determine the role of this variant in disease. Therefore, it has been classified as a Variant of Uncertain Significance. Algorithms developed to predict the effect of missense changes on protein structure and function (SIFT, PolyPhen-2, Align-GVGD) all suggest that this variant is likely to be tolerated. This variant has not been reported in the literature in individuals affected with RAD51D-related conditions. This variant is not present in population databases (gnomAD no frequency).

NM_002878.4(RAD51D):c.779T>C (p.Leu260Pro)

Genes: RAD51L3-RFFL (RAD51L3-RFFL readthrough; minus strand), RAD51D (RAD51 paralog D; minus strand). Cytogenetic location: 17q12.
Variant type: single nucleotide variant.
Coding change: c.779T>C on transcript NM_002878.4 (MANE Select); coding-DNA position 779, T replaced by C.
Protein change: p.Leu260Pro; replaces leucine 260 with proline.
Molecular consequence: missense variant. On other transcripts: non-coding transcript variant (3).
Genome position (GRCh38, 1-based): chr17:35,101,325, A>G on the plus strand (T>C on the coding strand, the complement: RAD51D is on the minus strand). VCF-style: chr17-35101325-A-G. GRCh37 (hg19) VCF-style: chr17-33428344-A-G.
Other names: c.839T>C, p.Leu280Pro (NM_001142571.2); c.443T>C, p.Leu148Pro (NM_133629.3); short protein forms L148P, L260P, L280P.
Identifiers: ClinVar variation 2122969 (VCV002122969.4), dbSNP rs2142412140, ClinGen allele CA399086868.
Genomic context (GRCh38, chr17:35,101,325, plus strand): 5'-GTGTCCAGGAGAATCCGAGTGCTGGGCACAAAGCTCCAGGAGCGTCCGAGGGCAGGTTTG[A>G]GCCTCCCGCTGTCCCTGTCTCGAGTTATGTGGTTGGTCACCTGCAGCAGAAACAGACTTA-3'
Protein context (NP_002869.3, residues 250-270): HITRDRDSGR[Leu260Pro]KPALGRSWSF